The following is an entry in ClinVar:

ClinVar aggregate classification (germline): Uncertain significance. Review status: criteria provided, multiple submitters, no conflicts (2 of 4 stars). 2 submissions from 2 submitters: Uncertain significance (2). Last evaluated 2024-11-20.

Allele frequency attached by ClinVar (database versions not stated): gnomAD exomes below 0.00001; ExAC 0.00001; gnomAD 0.00001; TOPMed 0.00001.
gnomAD v4.1: 8 of 1,596,570 alleles (0.0005%); highest among the groups gnomAD compares: Admixed American, 0.0018%; no homozygotes.

Submissions (2):

Ambry Genetics
Classification: Uncertain significance. Last evaluated: 2024-11-20. Review status: criteria provided, single submitter. Criteria: Ambry Variant Classification Scheme 2023. Collection method: clinical testing. Allele origin: germline.

Labcorp Genetics (formerly Invitae), Labcorp
Classification: Uncertain significance. Last evaluated: 2022-07-16. Review status: criteria provided, single submitter. Criteria: Invitae Variant Classification Sherloc (09022015). Collection method: clinical testing. Allele origin: germline.
Comment: In summary, the available evidence is currently insufficient to determine the role of this variant in disease. Therefore, it has been classified as a Variant of Uncertain Significance. Algorithms developed to predict the effect of missense changes on protein structure and function output the following: SIFT: "Tolerated"; PolyPhen-2: "Benign"; Align-GVGD: "Class C0". The lysine amino acid residue is found in multiple mammalian species, which suggests that this missense change does not adversely affect protein function. This variant has not been reported in the literature in individuals affected with LRRC56-related conditions. This variant is present in population databases (rs754876473, gnomAD 0.002%). This sequence change replaces arginine, which is basic and polar, with lysine, which is basic and polar, at codon 275 of the LRRC56 protein (p.Arg275Lys).

NM_198075.4(LRRC56):c.824G>A (p.Arg275Lys)

Gene: LRRC56 (leucine rich repeat containing 56; plus strand). Cytogenetic location: 11p15.5.
Variant type: single nucleotide variant.
Coding change: c.824G>A on transcript NM_198075.4 (MANE Select); coding-DNA position 824, G replaced by A.
Protein change: p.Arg275Lys; replaces arginine 275 with lysine.
Molecular consequence: missense variant.
Genome position (GRCh38, 1-based): chr11:551,678, G>A. VCF-style: chr11-551678-G-A. GRCh37 (hg19) VCF-style: chr11-551678-G-A.
Other names: c.824G>A (NM_198075.3); short protein forms R275K.
Identifiers: ClinVar variation 1967770 (VCV001967770.6), dbSNP rs754876473, ClinGen allele CA5779847.